The following is an entry in ClinVar:

ClinVar aggregate classification (germline): Uncertain significance. Review status: criteria provided, single submitter (1 of 4 stars). 2 submissions from 2 submitters: Uncertain significance (1). 1 of the submissions does not count toward it. Last evaluated 2022-08-31.

Conditions:
Nemaline myopathy 2 (NEM2). Also called: Nemaline myopathy 2, autosomal recessive. Identifiers: MedGen C1850569, MONDO:0009725, OMIM 256030.

Submissions (2):

Labcorp Genetics (formerly Invitae), Labcorp
Classification: Uncertain significance for Nemaline myopathy 2. Last evaluated: 2022-08-31. Review status: criteria provided, single submitter. Criteria: Invitae Variant Classification Sherloc (09022015). Collection method: clinical testing. Allele origin: germline.
Comment: In summary, the available evidence is currently insufficient to determine the role of this variant in disease. Therefore, it has been classified as a Variant of Uncertain Significance. Algorithms developed to predict the effect of missense changes on protein structure and function are either unavailable or do not agree on the potential impact of this missense change (SIFT: "Deleterious"; PolyPhen-2: "Not Available"; Align-GVGD: "Class C0"). ClinVar contains an entry for this variant (Variation ID: 1046511). This variant has not been reported in the literature in individuals affected with NEB-related conditions. This variant is not present in population databases (gnomAD no frequency). This sequence change replaces alanine, which is neutral and non-polar, with proline, which is neutral and non-polar, at codon 1010 of the NEB protein (p.Ala1010Pro).

Natera, Inc.
Classification: Uncertain significance for Nemaline myopathy type 2. Last evaluated: 2021-06-24. Review status: no assertion criteria provided. Collection method: clinical testing. Allele origin: germline. Not counted in ClinVar's aggregate classification.

NM_001164508.2(NEB):c.3028G>C (p.Ala1010Pro)

Gene: NEB (nebulin; minus strand). Cytogenetic location: 2q23.3.
Variant type: single nucleotide variant.
Coding change: c.3028G>C on transcript NM_001164508.2 (MANE Select); coding-DNA position 3028, G replaced by C.
Protein change: p.Ala1010Pro; replaces alanine 1010 with proline.
Molecular consequence: missense variant.
Genome position (GRCh38, 1-based): chr2:151,680,744, C>G on the plus strand (G>C on the coding strand, the complement: NEB is on the minus strand). VCF-style: chr2-151680744-C-G. GRCh37 (hg19) VCF-style: chr2-152537258-C-G.
Other names: c.3028G>C, p.Ala1010Pro (NM_001164507.2, NM_001271208.2, NM_004543.5); short protein forms A1010P.
Identifiers: ClinVar variation 1046511 (VCV001046511.12), dbSNP rs770003609, ClinGen allele CA348821013.
Genomic context (GRCh38, chr2:151,680,744, plus strand): 5'-TGTATTAGTTAACATCTATTAACATATAGATAGCATTAACACTTACATCACTCCTCTGGG[C>G]CTGGTTAATTTTAGACTGTACTGTAATTGGAGCATCTTCAATCGAGGTAAACTTGAGGGT-3'
Protein context (NP_001157980.2, residues 1000-1020): PITVQSKINQ[Ala1010Pro]QRSDIAYKAK